The following is an entry in ClinVar:

ClinVar aggregate classification (germline): Likely benign (1 of 4 stars; one submission).

Submission:

GeneDx
Classification: Likely benign. Last evaluated: 2016-05-12. Review status: criteria provided, single submitter. Criteria: GeneDx Variant Classification (06012015). Collection method: clinical testing. Allele origin: germline. Affected: yes.
Comment: This variant is considered likely benign or benign based on one or more of the following criteria: it is a conservative change, it occurs at a poorly conserved position in the protein, it is predicted to be benign by multiple in silico algorithms, and/or has population frequency not consistent with disease.

NM_006939.4(SOS2):c.1785C>T (p.Gly595=)

Gene: SOS2 (SOS Ras/Rho guanine nucleotide exchange factor 2; minus strand). Cytogenetic location: 14q21.3.
Variant type: single nucleotide variant.
Coding change: c.1785C>T on transcript NM_006939.4 (MANE Select); coding-DNA position 1785, C replaced by T.
Protein change: p.Gly595=; no amino-acid change (glycine 595 retained).
Molecular consequence: synonymous variant.
Genome position (GRCh38, 1-based): chr14:50,159,498, G>A on the plus strand (C>T on the coding strand, the complement: SOS2 is on the minus strand). VCF-style: chr14-50159498-G-A. GRCh37 (hg19) VCF-style: chr14-50626216-G-A.
Identifiers: ClinVar variation 386314 (VCV000386314.1), dbSNP rs750732217, ClinGen allele CA16606561.